The following is an entry in ClinVar:

ClinVar aggregate classification (germline): Uncertain significance (1 of 4 stars; one submission).

Conditions:
Familial cancer of breast. Also called: Hereditary breast cancer; BREAST CANCER, FAMILIAL; hereditary breast carcinoma. Identifiers: Orphanet 227535, MedGen C0346153, MONDO:0016419, OMIM 114480. Disease mechanism: loss of function.

Submission:

Labcorp Genetics (formerly Invitae), Labcorp
Classification: Uncertain significance for Familial cancer of breast. Last evaluated: 2023-08-10. Review status: criteria provided, single submitter. Criteria: Invitae Variant Classification Sherloc (09022015). Collection method: clinical testing. Allele origin: germline.
Comment: This variant is not present in population databases (gnomAD no frequency). This sequence change replaces glutamic acid, which is acidic and polar, with valine, which is neutral and non-polar, at codon 462 of the PALB2 protein (p.Glu462Val). This variant has not been reported in the literature in individuals affected with PALB2-related conditions. In summary, the available evidence is currently insufficient to determine the role of this variant in disease. Therefore, it has been classified as a Variant of Uncertain Significance. Advanced modeling of protein sequence and biophysical properties (such as structural, functional, and spatial information, amino acid conservation, physicochemical variation, residue mobility, and thermodynamic stability) has been performed at Invitae for this missense variant, however the output from this modeling did not meet the statistical confidence thresholds required to predict the impact of this variant on PALB2 protein function. ClinVar contains an entry for this variant (Variation ID: 2014821).

NM_024675.4(PALB2):c.1385A>T (p.Glu462Val)

Gene: PALB2 (partner and localizer of BRCA2; minus strand). Cytogenetic location: 16p12.2.
Variant type: single nucleotide variant.
Coding change: c.1385A>T on transcript NM_024675.4 (MANE Select); coding-DNA position 1385, A replaced by T.
Protein change: p.Glu462Val; replaces glutamic acid 462 with valine.
Molecular consequence: missense variant.
Genome position (GRCh38, 1-based): chr16:23,635,161, T>A on the plus strand (A>T on the coding strand, the complement: PALB2 is on the minus strand). VCF-style: chr16-23635161-T-A. GRCh37 (hg19) VCF-style: chr16-23646482-T-A.
Other names: c.1325A>T, p.Glu442Val (NM_001407296.1); c.1385A>T, p.Glu462Val (NM_001407297.1, NM_001407298.1, NM_001407299.1 and 3 more transcripts); c.500A>T, p.Glu167Val (NM_001407304.1, NM_001407305.1, NM_001407306.1 and 5 more transcripts); short protein forms E442V, E462V, E167V.
Identifiers: ClinVar variation 2014821 (VCV002014821.4), dbSNP rs1966972534, ClinGen allele CA395131380.
Genomic context (GRCh38, chr16:23,635,161, plus strand): 5'-AGAAGTTTCTGAGAGGTTCTTGAACTTGGTTGTCCTGTGCATGTGCCAGACATCCTAATT[T>A]CACTTTGGTCAGTTTCCTCATTGGAAAGGTTTAAATTTTTACTTGCATCCTTATTTTTAT-3'
Protein context (NP_078951.2, residues 452-472): NLSNEETDQS[Glu462Val]IRMSGTCTGQ